The following is an entry in ClinVar:

ClinVar aggregate classification (germline): Uncertain significance (1 of 4 stars; one submission).

gnomAD v4.1: 1 of 1,614,174 alleles (0.000062%); no homozygotes.

Submission:

Labcorp Genetics (formerly Invitae), Labcorp
Classification: Uncertain significance. Last evaluated: 2023-05-31. Review status: criteria provided, single submitter. Criteria: Invitae Variant Classification Sherloc (09022015). Collection method: clinical testing. Allele origin: germline.
Comment: In summary, the available evidence is currently insufficient to determine the role of this variant in disease. Therefore, it has been classified as a Variant of Uncertain Significance. Advanced modeling of protein sequence and biophysical properties (such as structural, functional, and spatial information, amino acid conservation, physicochemical variation, residue mobility, and thermodynamic stability) performed at Invitae indicates that this missense variant is not expected to disrupt MYH9 protein function. This variant has not been reported in the literature in individuals affected with MYH9-related conditions. This variant is not present in population databases (gnomAD no frequency). This sequence change replaces valine, which is neutral and non-polar, with leucine, which is neutral and non-polar, at codon 1169 of the MYH9 protein (p.Val1169Leu).

NM_002473.6(MYH9):c.3505G>T (p.Val1169Leu)

Gene: MYH9 (myosin heavy chain 9; minus strand). Cytogenetic location: 22q12.3.
Variant type: single nucleotide variant.
Coding change: c.3505G>T on transcript NM_002473.6 (MANE Select); coding-DNA position 3505, G replaced by T.
Protein change: p.Val1169Leu; replaces valine 1169 with leucine.
Molecular consequence: missense variant.
Genome position (GRCh38, 1-based): chr22:36,295,057, C>A on the plus strand (G>T on the coding strand, the complement: MYH9 is on the minus strand). VCF-style: chr22-36295057-C-A. GRCh37 (hg19) VCF-style: chr22-36691103-C-A.
Other names: short protein forms V1169L.
Identifiers: ClinVar variation 2851383 (VCV002851383.3), dbSNP rs2517962560, ClinGen allele CA411387879.